The following is an entry in ClinVar:

ClinVar aggregate classification (germline): Uncertain significance (1 of 4 stars; one submission).

Conditions:
Dyskeratosis congenita, autosomal dominant 2. Identifiers: MedGen C3151443, MONDO:0013521, OMIM 613989.
Idiopathic Pulmonary Fibrosis. Also called: Idiopathic fibrosing alveolitis, chronic form; idiopathic fibrosing alveolitis. Identifiers: Orphanet 2032, MedGen C1800706, MeSH D054990, MONDO:0800504.

Submission:

Labcorp Genetics (formerly Invitae), Labcorp
Classification: Uncertain significance for Dyskeratosis congenita, autosomal dominant 2; Idiopathic Pulmonary Fibrosis. Last evaluated: 2025-10-11. Review status: criteria provided, single submitter. Criteria: Invitae Variant Classification Sherloc (09022015). Collection method: clinical testing. Allele origin: germline.
Comment: This sequence change replaces leucine, which is neutral and non-polar, with phenylalanine, which is neutral and non-polar, at codon 675 of the TERT protein (p.Leu675Phe). This variant is not present in population databases (gnomAD no frequency). This variant has not been reported in the literature in individuals affected with TERT-related conditions. Invitae Evidence Modeling of protein sequence and biophysical properties (such as structural, functional, and spatial information, amino acid conservation, physicochemical variation, residue mobility, and thermodynamic stability) indicates that this missense variant is expected to disrupt TERT protein function with a positive predictive value of 95%. In summary, the available evidence is currently insufficient to determine the role of this variant in disease. Therefore, it has been classified as a Variant of Uncertain Significance.

NM_198253.3(TERT):c.2023C>T (p.Leu675Phe)

Gene: TERT (telomerase reverse transcriptase; minus strand). Cytogenetic location: 5p15.33.
Variant type: single nucleotide variant.
Coding change: c.2023C>T on transcript NM_198253.3 (MANE Select); coding-DNA position 2023, C replaced by T.
Protein change: p.Leu675Phe; replaces leucine 675 with phenylalanine.
Molecular consequence: missense variant. On other transcripts: non-coding transcript variant (2).
Genome position (GRCh38, 1-based): chr5:1,279,398, G>A on the plus strand (C>T on the coding strand, the complement: TERT is on the minus strand). VCF-style: chr5-1279398-G-A. GRCh37 (hg19) VCF-style: chr5-1279513-G-A.
Other names: c.2023C>T, p.Leu675Phe (NM_001193376.3); short protein forms L675F.
Identifiers: ClinVar variation 4793571 (VCV004793571.1).
Genomic context (GRCh38, chr5:1,279,398, plus strand): 5'-GCACGAAGGTGCGCCAGGCCCTGTGGATATCGTCCAGGCCCAGCACAGAGGCGCCCAGGA[G>A]GCCGGGGCGCCGCGCCCGCTCGTAGTTGAGCACGCTGAACAGTGCCTTCACCCTCGAGGT-3'
Protein context (NP_937983.2, residues 665-685): LNYERARRPG[Leu675Phe]LGASVLGLDD